The following is an entry in ClinVar:

NM_001164665.2(KIAA1549):c.5242T>G (p.Cys1748Gly)

Gene: KIAA1549 (KIAA1549; minus strand). Cytogenetic location: 7q34.
Variant type: single nucleotide variant.
Coding change: c.5242T>G on transcript NM_001164665.2 (MANE Select); coding-DNA position 5242, T replaced by G.
Protein change: p.Cys1748Gly; replaces cysteine 1748 with glycine.
Molecular consequence: missense variant.
Genome position (GRCh38, 1-based): chr7:138,861,144, A>C on the plus strand (T>G on the coding strand, the complement: KIAA1549 is on the minus strand). VCF-style: chr7-138861144-A-C. GRCh37 (hg19) VCF-style: chr7-138545890-A-C.
Other names: c.5242T>G, p.Cys1748Gly (NM_020910.3); short protein forms C1748G.
Identifiers: ClinVar variation 851278 (VCV000851278.7), dbSNP rs373630539, ClinGen allele CA4505634.

ClinVar aggregate classification (germline): Uncertain significance. Review status: criteria provided, multiple submitters, no conflicts (2 of 4 stars). 3 submissions from 3 submitters: Uncertain significance (3). Last evaluated 2024-09-26.

Conditions:
Inborn genetic diseases. Identifiers: MedGen C0950123, MeSH D030342.

Allele frequency attached by ClinVar (database versions not stated): gnomAD exomes 0.00009; ExAC 0.00012; gnomAD 0.00031 and 0.00035; TOPMed 0.00032; ESP Exome Variant Server 0.00033.
gnomAD v4.1: 84 of 1,613,742 alleles (0.0052%); highest among the groups gnomAD compares: African/African-American, 0.1%; no homozygotes.

Submissions (3):

Blueprint Genetics
Classification: Uncertain significance. Last evaluated: 2024-09-26. Review status: criteria provided, single submitter. Criteria: ACMG Guidelines, 2015. Collection method: clinical testing. Allele origin: germline.

Labcorp Genetics (formerly Invitae), Labcorp
Classification: Uncertain significance. Last evaluated: 2023-12-11. Review status: criteria provided, single submitter. Criteria: Invitae Variant Classification Sherloc (09022015). Collection method: clinical testing. Allele origin: germline.
Comment: This sequence change replaces cysteine, which is neutral and slightly polar, with glycine, which is neutral and non-polar, at codon 1748 of the KIAA1549 protein (p.Cys1748Gly). This variant is present in population databases (rs373630539, gnomAD 0.1%). This variant has not been reported in the literature in individuals affected with KIAA1549-related conditions. ClinVar contains an entry for this variant (Variation ID: 851278). An algorithm developed to predict the effect of missense changes on protein structure and function (PolyPhen-2) suggests that this variant¬†is likely to be tolerated. In summary, the available evidence is currently insufficient to determine the role of this variant in disease. Therefore, it has been classified as a Variant of Uncertain Significance.

Ambry Genetics
Classification: Uncertain significance for Inborn genetic diseases. Last evaluated: 2021-09-01. Review status: criteria provided, single submitter. Criteria: Ambry Variant Classification Scheme 2023. Collection method: clinical testing. Allele origin: germline.